The following is an entry in ClinVar:

ClinVar aggregate classification (germline): Uncertain significance (1 of 4 stars; one submission).

Submission:

Labcorp Genetics (formerly Invitae), Labcorp
Classification: Uncertain significance. Last evaluated: 2024-04-09. Review status: criteria provided, single submitter. Criteria: Invitae Variant Classification Sherloc (09022015). Collection method: clinical testing. Allele origin: germline.
Comment: This sequence change replaces methionine, which is neutral and non-polar, with leucine, which is neutral and non-polar, at codon 1061 of the STAG1 protein (p.Met1061Leu). This variant is not present in population databases (gnomAD no frequency). This variant has not been reported in the literature in individuals affected with STAG1-related conditions. Advanced modeling of protein sequence and biophysical properties (such as structural, functional, and spatial information, amino acid conservation, physicochemical variation, residue mobility, and thermodynamic stability) performed at Invitae indicates that this missense variant is not expected to disrupt STAG1 protein function with a negative predictive value of 80%. In summary, the available evidence is currently insufficient to determine the role of this variant in disease. Therefore, it has been classified as a Variant of Uncertain Significance.

NM_005862.3(STAG1):c.3181A>C (p.Met1061Leu)

Gene: STAG1 (STAG1 cohesin complex component; minus strand). Cytogenetic location: 3q22.3.
Variant type: single nucleotide variant.
Coding change: c.3181A>C on transcript NM_005862.3 (MANE Select); coding-DNA position 3181, A replaced by C.
Protein change: p.Met1061Leu; replaces methionine 1061 with leucine.
Molecular consequence: missense variant.
Genome position (GRCh38, 1-based): chr3:136,349,248, T>G on the plus strand (A>C on the coding strand, the complement: STAG1 is on the minus strand). VCF-style: chr3-136349248-T-G. GRCh37 (hg19) VCF-style: chr3-136068090-T-G.
Other names: short protein forms M1061L.
Identifiers: ClinVar variation 3649254 (VCV003649254.2).
Genomic context (GRCh38, chr3:136,349,248, plus strand): 5'-GTCCTTTCTTATTCCTTACTGATGAGGTTTTGCTGCTGCTACTTCCACTGTTCACAGACA[T>G]TCTATCATCTTCACCCCCAGTGACTAATGAATTTCTATAGGAGATGAGTGGAAGCCATAC-3'
Protein context (NP_005853.2, residues 1051-1071): SLVTGGEDDR[Met1061Leu]SVNSGSSSSK